The following is an entry in ClinVar:

ClinVar aggregate classification (germline): Benign/Likely benign. Review status: criteria provided, single submitter (1 of 4 stars). 2 submissions from 1 submitter: Benign (1); Likely benign (1). Last evaluated 2018-01-13.

Conditions:
Noonan syndrome 5 (NS5). Also called: RAF1-Related Noonan Syndrome. Identifiers: Orphanet 648, MedGen C1969057, MONDO:0012690, OMIM 611553. Disease mechanism: gain of function.
LEOPARD syndrome 2 (LPRD2). Also called: RAF1-Related LEOPARD Syndrome. Identifiers: Orphanet 500, MedGen C1969056, MONDO:0012691, OMIM 611554.

Allele frequency attached by ClinVar (database versions not stated): gnomAD 0.00014 and 0.00042; TOPMed 0.00026; 1000 Genomes Project 30x 0.00219; 1000 Genomes Project 0.00280.
gnomAD v4.1: 88 of 244,358 alleles (0.036%); highest among the groups gnomAD compares: South Asian, 0.79%; no homozygotes.

Submissions (2):

Illumina Laboratory Services, Illumina
Classification: Likely benign for Noonan syndrome 5. Last evaluated: 2018-01-13. Review status: criteria provided, single submitter. Criteria: ICSL Variant Classification Criteria 13 December 2019. Collection method: clinical testing. Allele origin: germline.
Comment: This variant was observed in the ICSL laboratory as part of a predisposition screen in an ostensibly healthy population. It had not been previously curated by ICSL or reported in the Human Gene Mutation Database (HGMD: prior to June 1st, 2018), and was therefore a candidate for classification through an automated scoring system. Utilizing variant allele frequency, disease prevalence and penetrance estimates, and inheritance mode, an automated score was calculated to assess if this variant is too frequent to cause the disease. Based on the score and internal cut-off values, a variant classified as likely benign is not then subjected to further curation. The score for this variant resulted in a classification of likely benign for this disease.

Illumina Laboratory Services, Illumina
Classification: Benign for LEOPARD syndrome 2. Last evaluated: 2018-01-13. Review status: criteria provided, single submitter. Criteria: ICSL Variant Classification Criteria 13 December 2019. Collection method: clinical testing. Allele origin: germline.
Comment: This variant was observed in the ICSL laboratory as part of a predisposition screen in an ostensibly healthy population. It had not been previously curated by ICSL or reported in the Human Gene Mutation Database (HGMD: prior to June 1st, 2018), and was therefore a candidate for classification through an automated scoring system. Utilizing variant allele frequency, disease prevalence and penetrance estimates, and inheritance mode, an automated score was calculated to assess if this variant is too frequent to cause the disease. Based on the score and internal cut-off values, a variant classified as benign is not then subjected to further curation. The score for this variant resulted in a classification of benign for this disease.

NM_002880.4(RAF1):c.*556G>A

Gene: RAF1 (Raf-1 proto-oncogene, serine/threonine kinase; minus strand). Cytogenetic location: 3p25.2.
Variant type: single nucleotide variant.
Coding change: c.*556G>A on transcript NM_002880.4 (MANE Select); 556 bases downstream of the stop codon, G replaced by A.
Molecular consequence: 3 prime UTR variant. On other transcripts: non-coding transcript variant (3).
Genome position (GRCh38, 1-based): chr3:12,583,958, C>T on the plus strand (G>A on the coding strand, the complement: RAF1 is on the minus strand). VCF-style: chr3-12583958-C-T. GRCh37 (hg19) VCF-style: chr3-12625457-C-T.
Other names: c.*556G>A (NM_001354689.3, NM_001354690.3, NM_001354691.3 and 4 more transcripts).
Identifiers: ClinVar variation 343096 (VCV000343096.5), dbSNP rs187286358, ClinGen allele CA10617195.